The following is an entry in ClinVar:

NM_004336.5(BUB1):c.2156A>C (p.Gln719Pro)

Gene: BUB1 (BUB1 mitotic checkpoint serine/threonine kinase; minus strand). Cytogenetic location: 2q13.
Variant type: single nucleotide variant.
Coding change: c.2156A>C on transcript NM_004336.5 (MANE Select); coding-DNA position 2156, A replaced by C.
Protein change: p.Gln719Pro; replaces glutamine 719 with proline.
Molecular consequence: missense variant.
Genome position (GRCh38, 1-based): chr2:110,650,593, T>G on the plus strand (A>C on the coding strand, the complement: BUB1 is on the minus strand). VCF-style: chr2-110650593-T-G. GRCh37 (hg19) VCF-style: chr2-111408170-T-G.
Other names: c.2096A>C, p.Gln699Pro (NM_001278616.2); c.2156A>C, p.Gln719Pro (NM_001278617.2); short protein forms Q699P, Q719P.
Identifiers: ClinVar variation 2586160 (VCV002586160.2), dbSNP rs763057015, ClinGen allele CA348209784.

ClinVar aggregate classification (germline): Uncertain significance (1 of 4 stars; one submission).

gnomAD v4.1: 1 of 1,613,882 alleles (0.000062%); highest among the groups gnomAD compares: Non-Finnish European, 0.000085%; no homozygotes.

Submission:

Ambry Genetics
Classification: Uncertain significance. Last evaluated: 2023-08-06. Review status: criteria provided, single submitter. Criteria: Ambry Variant Classification Scheme 2023. Collection method: clinical testing. Allele origin: germline.
Comment: The p.Q719P variant (also known as c.2156A>C), located in coding exon 18 of the BUB1 gene, results from an A to C substitution at nucleotide position 2156. The glutamine at codon 719 is replaced by proline, an amino acid with similar properties. This amino acid position is conserved. In addition, this alteration is predicted to be tolerated by in silico analysis. Since supporting evidence is limited at this time, the clinical significance of this alteration remains unclear.